The following is an entry in ClinVar:

NM_021072.4(HCN1):c.136G>T (p.Gly46Cys)

Gene: HCN1 (hyperpolarization activated cyclic nucleotide gated potassium channel 1; minus strand). Cytogenetic location: 5p12.
Variant type: single nucleotide variant.
Coding change: c.136G>T on transcript NM_021072.4 (MANE Select); coding-DNA position 136, G replaced by T.
Protein change: p.Gly46Cys; replaces glycine 46 with cysteine.
Molecular consequence: missense variant.
Genome position (GRCh38, 1-based): chr5:45,695,958, C>A on the plus strand (G>T on the coding strand, the complement: HCN1 is on the minus strand). VCF-style: chr5-45695958-C-A. GRCh37 (hg19) VCF-style: chr5-45696060-C-A.
Other names: short protein forms G46C.
Identifiers: ClinVar variation 1057532 (VCV001057532.12), dbSNP rs1031913850, ClinGen allele CA359706675.

ClinVar aggregate classification (germline): Uncertain significance. Review status: criteria provided, multiple submitters, no conflicts (2 of 4 stars). 2 submissions from 2 submitters: Uncertain significance (2). Last evaluated 2026-01-07.

Conditions:
Early-infantile DEE. Also called: Ohtahara syndrome; Early infantile epileptic encephalopathy with suppression bursts; Early infantile epileptic encephalopathy. Identifiers: Orphanet 1934, MedGen C0393706, MONDO:0800491.
Inborn genetic diseases. Identifiers: MedGen C0950123, MeSH D030342.

Allele frequency attached by ClinVar (database versions not stated): gnomAD exomes 0.00010.
gnomAD v4.1: 40 of 1,329,804 alleles (0.003%); highest among the groups gnomAD compares: Non-Finnish European, 0.0036%; no homozygotes.

Submissions (2):

Labcorp Genetics (formerly Invitae), Labcorp
Classification: Uncertain significance for Early-infantile DEE. Last evaluated: 2026-01-07. Review status: criteria provided, single submitter. Criteria: Invitae Variant Classification Sherloc (09022015). Collection method: clinical testing. Allele origin: germline.
Comment: This sequence change replaces glycine, which is neutral and non-polar, with cysteine, which is neutral and slightly polar, at codon 46 of the HCN1 protein (p.Gly46Cys). The frequency data for this variant in the population databases is considered unreliable, as metrics indicate poor data quality at this position in the gnomAD database. This variant has not been reported in the literature in individuals affected with HCN1-related conditions. ClinVar contains an entry for this variant (Variation ID: 1057532). Invitae Evidence Modeling of protein sequence and biophysical properties (such as structural, functional, and spatial information, amino acid conservation, physicochemical variation, residue mobility, and thermodynamic stability) indicates that this missense variant is not expected to disrupt HCN1 protein function with a negative predictive value of 95%. In summary, the available evidence is currently insufficient to determine the role of this variant in disease. Therefore, it has been classified as a Variant of Uncertain Significance.

Ambry Genetics
Classification: Uncertain significance for Inborn genetic diseases. Last evaluated: 2018-07-23. Review status: criteria provided, single submitter. Criteria: Ambry Variant Classification Scheme 2023. Collection method: clinical testing. Allele origin: germline.
Comment: The p.G46C variant (also known as c.136G>T), located in coding exon 1 of the HCN1 gene, results from a G to T substitution at nucleotide position 136. The glycine at codon 46 is replaced by cysteine, an amino acid with highly dissimilar properties. This amino acid position is not well conserved in available vertebrate species. In addition, the in silico prediction for this alteration is inconclusive. Since supporting evidence is limited at this time, the clinical significance of this alteration remains unclear.